The following is an entry in ClinVar:

NM_022455.5(NSD1):c.1774G>C (p.Gly592Arg)

Gene: NSD1 (nuclear receptor binding SET domain protein 1; plus strand). Cytogenetic location: 5q35.3.
Variant type: single nucleotide variant.
Coding change: c.1774G>C on transcript NM_022455.5 (MANE Select); coding-DNA position 1774, G replaced by C.
Protein change: p.Gly592Arg; replaces glycine 592 with arginine.
Molecular consequence: missense variant.
Genome position (GRCh38, 1-based): chr5:177,210,173, G>C. VCF-style: chr5-177210173-G-C. GRCh37 (hg19) VCF-style: chr5-176637174-G-C.
Other names: c.901G>C, p.Gly301Arg (NM_001365684.2, NM_001409306.1, NM_001409307.1 and 3 more transcripts); c.1774G>C, p.Gly592Arg (NM_001409301.1, NM_001409302.1, NM_001409303.1); c.1354G>C, p.Gly452Arg (NM_001409304.1); c.1021G>C, p.Gly341Arg (NM_001409305.1); short protein forms G301R, G452R, G341R, G592R.
Identifiers: ClinVar variation 3691521 (VCV003691521.2).

ClinVar aggregate classification (germline): Uncertain significance (1 of 4 stars; one submission).

Submission:

Labcorp Genetics (formerly Invitae), Labcorp
Classification: Uncertain significance. Last evaluated: 2023-05-02. Review status: criteria provided, single submitter. Criteria: Invitae Variant Classification Sherloc (09022015). Collection method: clinical testing. Allele origin: germline.
Comment: This variant is not present in population databases (gnomAD no frequency). This variant has not been reported in the literature in individuals affected with NSD1-related conditions. In summary, the available evidence is currently insufficient to determine the role of this variant in disease. Therefore, it has been classified as a Variant of Uncertain Significance. Advanced modeling of protein sequence and biophysical properties (such as structural, functional, and spatial information, amino acid conservation, physicochemical variation, residue mobility, and thermodynamic stability) performed at Invitae indicates that this missense variant is not expected to disrupt NSD1 protein function. This sequence change replaces glycine, which is neutral and non-polar, with arginine, which is basic and polar, at codon 592 of the NSD1 protein (p.Gly592Arg).